The following is an entry in ClinVar:

NM_001384140.1(PCDH15):c.1771C>G (p.Pro591Ala)

Gene: PCDH15 (protocadherin related 15; minus strand). Cytogenetic location: 10q21.1.
Variant type: single nucleotide variant.
Coding change: c.1771C>G on transcript NM_001384140.1 (MANE Select); coding-DNA position 1771, C replaced by G.
Protein change: p.Pro591Ala; replaces proline 591 with alanine.
Molecular consequence: missense variant.
Genome position (GRCh38, 1-based): chr10:54,153,113, G>C on the plus strand (C>G on the coding strand, the complement: PCDH15 is on the minus strand). VCF-style: chr10-54153113-G-C. GRCh37 (hg19) VCF-style: chr10-55912873-G-C.
Other names: c.1786C>G, p.Pro596Ala (NM_001142763.2, NM_001142771.2); c.1771C>G, p.Pro591Ala (NM_001142764.2, NM_001142765.2, NM_001142766.2 and 6 more transcripts); c.1660C>G, p.Pro554Ala (NM_001142767.2); c.1705C>G, p.Pro569Ala (NM_001142768.2, NM_001142773.2, NM_001354404.2); c.1807C>G, p.Pro603Ala (NM_001142769.4); c.1792C>G, p.Pro598Ala (NM_001354411.2); short protein forms P554A, P569A, P591A, P596A, P598A, P603A.
Identifiers: ClinVar variation 1061684 (VCV001061684.9), dbSNP rs1277257526, ClinGen allele CA376519040.

ClinVar aggregate classification (germline): Uncertain significance (1 of 4 stars; one submission).

Allele frequency attached by ClinVar (database versions not stated): TOPMed below 0.00001; gnomAD 0.00001.
gnomAD v4.1: 2 of 1,613,660 alleles (0.00012%); highest among the groups gnomAD compares: African/African-American, 0.0027%; no homozygotes.

Submission:

Labcorp Genetics (formerly Invitae), Labcorp
Classification: Uncertain significance. Last evaluated: 2024-10-25. Review status: criteria provided, single submitter. Criteria: Invitae Variant Classification Sherloc (09022015). Collection method: clinical testing. Allele origin: germline.
Comment: This sequence change replaces proline, which is neutral and non-polar, with alanine, which is neutral and non-polar, at codon 591 of the PCDH15 protein (p.Pro591Ala). This variant is present in population databases (no rsID available, gnomAD 0.01%). This variant has not been reported in the literature in individuals affected with PCDH15-related conditions. ClinVar contains an entry for this variant (Variation ID: 1061684). Invitae Evidence Modeling of protein sequence and biophysical properties (such as structural, functional, and spatial information, amino acid conservation, physicochemical variation, residue mobility, and thermodynamic stability) indicates that this missense variant is not expected to disrupt PCDH15 protein function with a negative predictive value of 95%. In summary, the available evidence is currently insufficient to determine the role of this variant in disease. Therefore, it has been classified as a Variant of Uncertain Significance.